The following is an entry in ClinVar:

NM_003680.4(YARS1):c.501del (p.Gly168fs)

Gene: YARS1 (tyrosyl-tRNA synthetase 1; minus strand). Cytogenetic location: 1p35.1.
Variant type: Deletion.
Coding change: c.501del on transcript NM_003680.4 (MANE Select); coding-DNA position 501, one base deleted (C; older notation c.501delC).
Protein change: p.Gly168fs; shifts the reading frame from glycine 168.
Molecular consequence: frameshift variant.
Genome position (GRCh38, 1-based): chr1:32,806,491, G deleted on the plus strand (C on the coding strand, the reverse complement: YARS1 is on the minus strand); the first of 4 consecutive G bases (chr1:32,806,491-32,806,494); deleting any one gives the same sequence. VCF-style (leftmost placement, unchanged base first): chr1-32806490-CG-C. GRCh37 (hg19) VCF-style: chr1-33272091-CG-C.
Other names: short protein forms G168fs.
Identifiers: ClinVar variation 2917160 (VCV002917160.3), dbSNP rs765172029, ClinGen allele CA20292894.
Genomic context (GRCh38, chr1:32,806,490, plus strand): 5'-CATCAAACCAGAGCAGAAAAGGTCATCGGGCCACTCCATCCCCCTTAAGTACCTGCAGTC[CG>C]GGGTATAAGAGGCCACTCAGCAAAGGGTGCTCCACCTGCTTTACCACCTCAGCTCCAGCC-3'

ClinVar aggregate classification (germline): Uncertain significance (1 of 4 stars; one submission).

Conditions:
Charcot-Marie-Tooth disease dominant intermediate C (CMTDIC). Also called: CHARCOT-MARIE-TOOTH NEUROPATHY, DOMINANT INTERMEDIATE C. Identifiers: Orphanet 100045, MedGen C1842237, MONDO:0012012, OMIM 608323.

Submission:

Labcorp Genetics (formerly Invitae), Labcorp
Classification: Uncertain significance for Charcot-Marie-Tooth disease dominant intermediate C. Last evaluated: 2025-02-24. Review status: criteria provided, single submitter. Criteria: Invitae Variant Classification Sherloc (09022015). Collection method: clinical testing. Allele origin: germline.
Comment: This sequence change creates a premature translational stop signal (p.Gly168Aspfs*10) in the YARS gene. It is expected to result in an absent or disrupted protein product. However, the current clinical and genetic evidence is not sufficient to establish whether loss-of-function variants in YARS cause disease. This variant is not present in population databases (gnomAD no frequency). This variant has not been reported in the literature in individuals affected with YARS-related conditions. ClinVar contains an entry for this variant (Variation ID: 2917160). Experimental studies and prediction algorithms are not available or were not evaluated, and the functional significance of this variant is currently unknown. In summary, the available evidence is currently insufficient to determine the role of this variant in disease. Therefore, it has been classified as a Variant of Uncertain Significance.